The following is an entry in ClinVar:

NM_005359.6(SMAD4):c.1186G>A (p.Asp396Asn)

Gene: SMAD4 (SMAD family member 4; plus strand). Cytogenetic location: 18q21.2.
Variant type: single nucleotide variant.
Coding change: c.1186G>A on transcript NM_005359.6 (MANE Select); coding-DNA position 1186, G replaced by A.
Protein change: p.Asp396Asn; replaces aspartic acid 396 with asparagine.
Molecular consequence: missense variant.
Genome position (GRCh38, 1-based): chr18:51,067,065, G>A. VCF-style: chr18-51067065-G-A. GRCh37 (hg19) VCF-style: chr18-48593435-G-A.
Other names: short protein forms D396N.
Identifiers: ClinVar variation 1359593 (VCV001359593.8), dbSNP rs2144452017, ClinGen allele CA402464806.

ClinVar aggregate classification (germline): Uncertain significance (1 of 4 stars; one submission).

Conditions:
Juvenile polyposis syndrome (JPS). Identifiers: Orphanet 2929, MedGen C0345893, MONDO:0017380, OMIM 174900.

Submission:

Labcorp Genetics (formerly Invitae), Labcorp
Classification: Uncertain significance for Juvenile polyposis syndrome. Last evaluated: 2021-06-06. Review status: criteria provided, single submitter. Criteria: Invitae Variant Classification Sherloc (09022015). Collection method: clinical testing. Allele origin: germline.
Comment: Advanced modeling of protein sequence and biophysical properties (such as structural, functional, and spatial information, amino acid conservation, physicochemical variation, residue mobility, and thermodynamic stability) performed at Invitae indicates that this missense variant is expected to disrupt SMAD4 protein function. In summary, the available evidence is currently insufficient to determine the role of this variant in disease. Therefore, it has been classified as a Variant of Uncertain Significance. This variant has not been reported in the literature in individuals with SMAD4-related conditions. This sequence change replaces aspartic acid with asparagine at codon 396 of the SMAD4 protein (p.Asp396Asn). The aspartic acid residue is highly conserved and there is a small physicochemical difference between aspartic acid and asparagine. This variant is not present in population databases (ExAC no frequency).